The following is an entry in ClinVar:

ClinVar aggregate classification (germline): Uncertain significance (1 of 4 stars; one submission).

Conditions:
Fanconi anemia (FA). Also called: Fanconi's anemia. Identifiers: Orphanet 84, MedGen C0015625, MeSH D005199, MONDO:0019391.

Submission:

Labcorp Genetics (formerly Invitae), Labcorp
Classification: Uncertain significance for Fanconi anemia. Last evaluated: 2023-04-04. Review status: criteria provided, single submitter. Criteria: Invitae Variant Classification Sherloc (09022015). Collection method: clinical testing. Allele origin: germline.
Comment: This sequence change replaces glycine, which is neutral and non-polar, with alanine, which is neutral and non-polar, at codon 1291 of the FANCI protein (p.Gly1291Ala). This variant is not present in population databases (gnomAD no frequency). This variant has not been reported in the literature in individuals affected with FANCI-related conditions. ClinVar contains an entry for this variant (Variation ID: 1913720). An algorithm developed to predict the effect of missense changes on protein structure and function (PolyPhen-2) suggests that this variant is likely to be tolerated. In summary, the available evidence is currently insufficient to determine the role of this variant in disease. Therefore, it has been classified as a Variant of Uncertain Significance.

NM_001113378.2(FANCI):c.3872G>C (p.Gly1291Ala)

Gene: FANCI (FA complementation group I; plus strand). Cytogenetic location: 15q26.1.
Variant type: single nucleotide variant.
Coding change: c.3872G>C on transcript NM_001113378.2 (MANE Select); coding-DNA position 3872, G replaced by C.
Protein change: p.Gly1291Ala; replaces glycine 1291 with alanine.
Molecular consequence: missense variant.
Genome position (GRCh38, 1-based): chr15:89,315,337, G>C. VCF-style: chr15-89315337-G-C. GRCh37 (hg19) VCF-style: chr15-89858568-G-C.
Other names: c.3593G>C, p.Gly1198Ala (NM_001376910.1); c.3872G>C, p.Gly1291Ala (NM_001376911.1); c.3692G>C, p.Gly1231Ala (NM_018193.3); short protein forms G1198A, G1231A, G1291A.
Identifiers: ClinVar variation 1913720 (VCV001913720.5), dbSNP rs2509078649, ClinGen allele CA393744796.